The following is an entry in ClinVar:

NM_005378.6(MYCN):c.854G>T (p.Arg285Leu)

Gene: MYCN (MYCN proto-oncogene, bHLH transcription factor; plus strand). Cytogenetic location: 2p24.3.
Variant type: single nucleotide variant.
Coding change: c.854G>T on transcript NM_005378.6 (MANE Select); coding-DNA position 854, G replaced by T.
Protein change: p.Arg285Leu; replaces arginine 285 with leucine.
Molecular consequence: missense variant. On other transcripts: 3 prime UTR variant (1).
Genome position (GRCh38, 1-based): chr2:15,945,556, G>T. VCF-style: chr2-15945556-G-T. GRCh37 (hg19) VCF-style: chr2-16085678-G-T.
Other names: c.854G>T, p.Arg285Leu (NM_001293228.2); c.221G>T, p.Arg74Leu (NM_001293231.2); c.*789G>T (NM_001293233.2); short protein forms R285L, R74L.
Identifiers: ClinVar variation 1684292 (VCV001684292.5), dbSNP rs747134309, ClinGen allele CA1538261.

ClinVar aggregate classification (germline): Uncertain significance. Review status: criteria provided, multiple submitters, no conflicts (2 of 4 stars). 4 submissions from 4 submitters: Uncertain significance (4). Last evaluated 2026-07-01.

Conditions:
Feingold syndrome type 1 (FGLDS1). Also called: MICROCEPHALY AND DIGITAL ABNORMALITIES WITH NORMAL INTELLIGENCE; MICROCEPHALY, MENTAL RETARDATION, AND TRACHEOESOPHAGEAL FISTULA SYNDROME; MICROCEPHALY-OCULO-DIGITO-ESOPHAGEAL-DUODENAL SYNDROME; OCULODIGITOESOPHAGODUODENAL SYNDROME; ODED SYNDROME. Identifiers: Orphanet 1305, Orphanet 391641, MedGen C4551774, MONDO:0008115, OMIM 164280.

Allele frequency attached by ClinVar (database versions not stated): ExAC 0.00002; gnomAD 0.00002; gnomAD exomes 0.00003.
gnomAD v4.1: 31 of 1,613,830 alleles (0.0019%); highest among the groups gnomAD compares: Admixed American, 0.018%; no homozygotes.

Submissions (4):

CeGaT Center for Human Genetics Tuebingen
Classification: Uncertain significance. Last evaluated: 2026-07-01. Review status: criteria provided, single submitter. Criteria: CeGaT Center For Human Genetics Tuebingen Variant Classification Criteria Version 2. Collection method: clinical testing. Allele origin: germline. Affected: yes. Observed: 1 variant allele.

Labcorp Genetics (formerly Invitae), Labcorp
Classification: Uncertain significance. Last evaluated: 2025-04-17. Review status: criteria provided, single submitter. Criteria: Invitae Variant Classification Sherloc (09022015). Collection method: clinical testing. Allele origin: germline.
Comment: This sequence change replaces arginine, which is basic and polar, with leucine, which is neutral and non-polar, at codon 285 of the MYCN protein (p.Arg285Leu). This variant is present in population databases (rs747134309, gnomAD 0.02%). This missense change has been observed in individual(s) with clinical features of MYCN-related conditions (PMID: 36474027). ClinVar contains an entry for this variant (Variation ID: 1684292). Invitae Evidence Modeling of protein sequence and biophysical properties (such as structural, functional, and spatial information, amino acid conservation, physicochemical variation, residue mobility, and thermodynamic stability) indicates that this missense variant is not expected to disrupt MYCN protein function with a negative predictive value of 95%. In summary, the available evidence is currently insufficient to determine the role of this variant in disease. Therefore, it has been classified as a Variant of Uncertain Significance.

Fulgent Genetics
Classification: Uncertain significance for Feingold syndrome type 1. Last evaluated: 2022-05-31. Review status: criteria provided, single submitter. Criteria: ACMG Guidelines, 2015. Collection method: clinical testing. Allele origin: unknown.

Daryl Scott Lab, Baylor College of Medicine
Classification: Uncertain significance for Feingold syndrome type 1. Last evaluated: 2022-02-01. Review status: criteria provided, single submitter. Criteria: ACMG Guidelines, 2015. Collection method: clinical testing. Allele origin: paternal. Observed: 1 variant allele.

Literature cited by the submitters: PubMed 36474027 (cited by Labcorp Genetics (formerly Invitae), Labcorp and Daryl Scott Lab, Baylor College of Medicine).